The following is an entry in ClinVar:

NM_001440.4(EXTL3):c.36G>A (p.Ala12=)

Gene: EXTL3 (exostosin like glycosyltransferase 3; plus strand). Cytogenetic location: 8p21.1.
Variant type: single nucleotide variant.
Coding change: c.36G>A on transcript NM_001440.4 (MANE Select); coding-DNA position 36, G replaced by A.
Protein change: p.Ala12=; no amino-acid change (alanine 12 retained).
Molecular consequence: synonymous variant.
Genome position (GRCh38, 1-based): chr8:28,716,095, G>A. VCF-style: chr8-28716095-G-A. GRCh37 (hg19) VCF-style: chr8-28573612-G-A.
Other names: c.36G>A (NM_001440.3).
Identifiers: ClinVar variation 1593270 (VCV001593270.10), dbSNP rs760155236, ClinGen allele CA4695917.

ClinVar aggregate classification (germline): Likely benign. Review status: criteria provided, single submitter (1 of 4 stars). 2 submissions from 2 submitters: Likely benign (1). 1 of the submissions does not count toward it. Last evaluated 2025-02-20.

Conditions:
EXTL3-related disorder. Also called: EXTL3-related condition.

Allele frequency attached by ClinVar (database versions not stated): ExAC 0.00002; gnomAD 0.00003; gnomAD exomes 0.00003 and 0.00006; TOPMed 0.00003.
gnomAD v4.1: 57 of 1,611,612 alleles (0.0035%); highest among the groups gnomAD compares: Middle Eastern, 0.033%; no homozygotes.

Submissions (2):

Labcorp Genetics (formerly Invitae), Labcorp
Classification: Likely benign. Last evaluated: 2025-02-20. Review status: criteria provided, single submitter. Criteria: Invitae Variant Classification Sherloc (09022015). Collection method: clinical testing. Allele origin: germline.

PreventionGenetics, part of Exact Sciences
Classification: Likely benign for EXTL3-related condition. Last evaluated: 2019-04-02. Review status: no assertion criteria provided. Collection method: clinical testing. Allele origin: germline. Not counted in ClinVar's aggregate classification.
Comment: This variant is classified as likely benign based on ACMG/AMP sequence variant interpretation guidelines (Richards et al. 2015 PMID: 25741868, with internal and published modifications).